The following is an entry in ClinVar:

ClinVar aggregate classification (germline): Likely benign. Review status: criteria provided, multiple submitters, no conflicts (2 of 4 stars). 2 submissions from 2 submitters: Likely benign (2). Last evaluated 2024-10-01.

Conditions:
Inborn genetic diseases. Identifiers: MedGen C0950123, MeSH D030342.

Submissions (2):

CeGaT Center for Human Genetics Tuebingen
Classification: Likely benign. Last evaluated: 2024-10-01. Review status: criteria provided, single submitter. Criteria: CeGaT Center For Human Genetics Tuebingen Variant Classification Criteria Version 2. Collection method: clinical testing. Allele origin: germline. Affected: yes. Observed: 1 variant allele.
Comment: ZNF462: BS2

Ambry Genetics
Classification: Likely benign for Inborn genetic diseases. Last evaluated: 2024-04-29. Review status: criteria provided, single submitter. Criteria: Ambry Variant Classification Scheme 2023. Collection method: clinical testing. Allele origin: germline.

NM_021224.6(ZNF462):c.3310C>A (p.Pro1104Thr)

Gene: ZNF462 (zinc finger protein 462; plus strand). Cytogenetic location: 9q31.2.
Variant type: single nucleotide variant.
Coding change: c.3310C>A on transcript NM_021224.6 (MANE Select); coding-DNA position 3310, C replaced by A.
Protein change: p.Pro1104Thr; replaces proline 1104 with threonine.
Molecular consequence: missense variant. On other transcripts: intron variant (1).
Genome position (GRCh38, 1-based): chr9:106,927,222, C>A. VCF-style: chr9-106927222-C-A. GRCh37 (hg19) VCF-style: chr9-109689503-C-A.
Other names: c.3252+58C>A (NM_001347997.2); short protein forms P1104T.
Identifiers: ClinVar variation 3258167 (VCV003258167.15).
Genomic context (GRCh38, chr9:106,927,222, plus strand): 5'-GAGGTGGGTGCTCCAATGTCTCCCAAAATGTCCAACATGGGTTCCCCACCCCCCCCACAA[C>A]CCCCGCCACCAGACCTCAGTACTGAGCTTTACTACTGCAAACACTGTTCCTACAGCAATC-3'
Protein context (NP_067047.4, residues 1094-1114): SNMGSPPPPQ[Pro1104Thr]PPPDLSTELY